The following is an entry in ClinVar:

ClinVar aggregate classification (germline): Conflicting classifications of pathogenicity. Review status: criteria provided, conflicting classifications (1 of 4 stars). 2 submissions from 2 submitters: Uncertain significance (1); Likely benign (1). Last evaluated 2025-02-19.

Conditions:
Colorectal cancer, hereditary nonpolyposis, type 7. Identifiers: Orphanet 144, MedGen C1858380, MONDO:0013725, OMIM 614385.

Submissions (2):

Labcorp Genetics (formerly Invitae), Labcorp
Classification: Uncertain significance for Colorectal cancer, hereditary nonpolyposis, type 7. Last evaluated: 2025-02-19. Review status: criteria provided, single submitter. Criteria: Invitae Variant Classification Sherloc (09022015). Collection method: clinical testing. Allele origin: germline.
Comment: This sequence change replaces serine, which is neutral and polar, with asparagine, which is neutral and polar, at codon 812 of the MLH3 protein (p.Ser812Asn). This variant is not present in population databases (gnomAD no frequency). This variant has not been reported in the literature in individuals affected with MLH3-related conditions. ClinVar contains an entry for this variant (Variation ID: 1791214). An algorithm developed to predict the effect of missense changes on protein structure and function outputs the following: PolyPhen-2: "Benign". The asparagine amino acid residue is found in multiple mammalian species, which suggests that this missense change does not adversely affect protein function. In summary, the available evidence is currently insufficient to determine the role of this variant in disease. Therefore, it has been classified as a Variant of Uncertain Significance.

Ambry Genetics
Classification: Likely benign. Last evaluated: 2021-11-30. Review status: criteria provided, single submitter. Criteria: Ambry Variant Classification Scheme 2023. Collection method: clinical testing. Allele origin: germline.

NM_001040108.2(MLH3):c.2435G>A (p.Ser812Asn)

Gene: MLH3 (mutL homolog 3; minus strand). Cytogenetic location: 14q24.3.
Variant type: single nucleotide variant.
Coding change: c.2435G>A on transcript NM_001040108.2 (MANE Select); coding-DNA position 2435, G replaced by A.
Protein change: p.Ser812Asn; replaces serine 812 with asparagine.
Molecular consequence: missense variant.
Genome position (GRCh38, 1-based): chr14:75,047,221, C>T on the plus strand (G>A on the coding strand, the complement: MLH3 is on the minus strand). VCF-style: chr14-75047221-C-T. GRCh37 (hg19) VCF-style: chr14-75513924-C-T.
Other names: c.2435G>A, p.Ser812Asn (NM_014381.3); short protein forms S812N.
Identifiers: ClinVar variation 1791214 (VCV001791214.3), dbSNP rs763408801, ClinGen allele CA390440498.